The following is an entry in ClinVar:

NM_004959.5(NR5A1):c.225G>A (p.Thr75=)

Gene: NR5A1 (nuclear receptor subfamily 5 group A member 1; minus strand). Cytogenetic location: 9q33.3.
Variant type: single nucleotide variant.
Coding change: c.225G>A on transcript NM_004959.5 (MANE Select); coding-DNA position 225, G replaced by A.
Protein change: p.Thr75=; no amino-acid change (threonine 75 retained).
Molecular consequence: synonymous variant.
Genome position (GRCh38, 1-based): chr9:124,503,098, C>T on the plus strand (G>A on the coding strand, the complement: NR5A1 is on the minus strand). VCF-style: chr9-124503098-C-T. GRCh37 (hg19) VCF-style: chr9-127265377-C-T.
Identifiers: ClinVar variation 385314 (VCV000385314.1), dbSNP rs138805488, ClinGen allele CA16605465.

ClinVar aggregate classification (germline): Likely benign (1 of 4 stars; one submission).

Submission:

GeneDx
Classification: Likely benign. Last evaluated: 2016-04-05. Review status: criteria provided, single submitter. Criteria: GeneDx Variant Classification (06012015). Collection method: clinical testing. Allele origin: germline. Affected: yes.
Comment: This variant is considered likely benign or benign based on one or more of the following criteria: it is a conservative change, it occurs at a poorly conserved position in the protein, it is predicted to be benign by multiple in silico algorithms, and/or has population frequency not consistent with disease.